The following is an entry in ClinVar:

NM_001904.4(CTNNB1):c.2046C>G (p.Leu682=)

Gene: CTNNB1 (catenin beta 1; plus strand). Cytogenetic location: 3p22.1.
Variant type: single nucleotide variant.
Coding change: c.2046C>G on transcript NM_001904.4 (MANE Select); coding-DNA position 2046, C replaced by G.
Protein change: p.Leu682=; no amino-acid change (leucine 682 retained).
Molecular consequence: synonymous variant.
Genome position (GRCh38, 1-based): chr3:41,236,679, C>G. VCF-style: chr3-41236679-C-G. GRCh37 (hg19) VCF-style: chr3-41278170-C-G.
Other names: c.2046C>G, p.Leu682= (NM_001098209.2, NM_001098210.2); c.2025C>G, p.Leu675= (NM_001330729.2).
Identifiers: ClinVar variation 1663545 (VCV001663545.17), dbSNP rs780668438, ClinGen allele CA2331242.

ClinVar aggregate classification (germline): Likely benign. Review status: criteria provided, multiple submitters, no conflicts (2 of 4 stars). 3 submissions from 3 submitters: Likely benign (3). Last evaluated 2026-01-19.

Allele frequency attached by ClinVar (database versions not stated): ExAC 0.00001; gnomAD exomes 0.00001 and 0.00003; TOPMed 0.00002; gnomAD 0.00003.
gnomAD v4.1: 45 of 1,613,996 alleles (0.0028%); highest among the groups gnomAD compares: Non-Finnish European, 0.0035%; no homozygotes.

Submissions (3):

Labcorp Genetics (formerly Invitae), Labcorp
Classification: Likely benign. Last evaluated: 2026-01-19. Review status: criteria provided, single submitter. Criteria: Invitae Variant Classification Sherloc (09022015). Collection method: clinical testing. Allele origin: germline.

CeGaT Center for Human Genetics Tuebingen
Classification: Likely benign. Last evaluated: 2025-03-01. Review status: criteria provided, single submitter. Criteria: CeGaT Center For Human Genetics Tuebingen Variant Classification Criteria Version 2. Collection method: clinical testing. Allele origin: germline. Affected: yes. Observed: 1 variant allele.
Comment: CTNNB1: BP4, BP7

Blueprint Genetics
Classification: Likely benign. Last evaluated: 2024-09-20. Review status: criteria provided, single submitter. Criteria: ACMG Guidelines, 2015. Collection method: clinical testing. Allele origin: germline.